The following is an entry in ClinVar:

ClinVar aggregate classification (germline): Uncertain significance (1 of 4 stars; one submission).

Conditions:
Autosomal dominant nonsyndromic hearing loss 22. Also called: Autosomal dominant nonsyndromic deafness 22; DFNA 22. Identifiers: Orphanet 228012, MedGen C2931767, MONDO:0011660, OMIM 606346.

Allele frequency attached by ClinVar (database versions not stated): gnomAD 0.00001; TOPMed 0.00001; gnomAD exomes 0.00002; ESP Exome Variant Server 0.00008.
gnomAD v4.1: 25 of 1,613,330 alleles (0.0015%); highest among the groups gnomAD compares: Non-Finnish European, 0.0019%; no homozygotes.

Submission:

MGZ Medical Genetics Center
Classification: Uncertain significance for Autosomal dominant nonsyndromic hearing loss 22. Last evaluated: 2021-10-21. Review status: criteria provided, single submitter. Criteria: ACMG Guidelines, 2015. Collection method: clinical testing. Allele origin: germline. Affected: yes. Observed: 1 variant allele.
Comment: ACMG criteria applied: PM2_SUP, PP3

NM_004999.4(MYO6):c.3331G>A (p.Val1111Met)

Gene: MYO6 (myosin VI; plus strand). Cytogenetic location: 6q14.1.
Variant type: single nucleotide variant.
Coding change: c.3331G>A on transcript NM_004999.4 (MANE Select); coding-DNA position 3331, G replaced by A.
Protein change: p.Val1111Met; replaces valine 1111 with methionine.
Molecular consequence: missense variant. On other transcripts: non-coding transcript variant (1).
Genome position (GRCh38, 1-based): chr6:75,908,546, G>A. VCF-style: chr6-75908546-G-A. GRCh37 (hg19) VCF-style: chr6-76618263-G-A.
Other names: c.3262G>A, p.Val1088Met (NM_001300899.2, NM_001368136.1); c.3319G>A, p.Val1107Met (NM_001368137.1); c.3247G>A, p.Val1083Met (NM_001368138.1); c.3358G>A, p.Val1120Met (NM_001368865.1, NM_001368866.1); short protein forms V1083M, V1088M, V1107M, V1111M, V1120M.
Identifiers: ClinVar variation 1710011 (VCV001710011.2), dbSNP rs372366980, ClinGen allele CA141095844.